The following is an entry in ClinVar:

NM_017433.5(MYO3A):c.3731A>G (p.Tyr1244Cys)

Gene: MYO3A (myosin IIIA; plus strand). Cytogenetic location: 10p12.1.
Variant type: single nucleotide variant.
Coding change: c.3731A>G on transcript NM_017433.5 (MANE Select); coding-DNA position 3731, A replaced by G.
Protein change: p.Tyr1244Cys; replaces tyrosine 1244 with cysteine.
Molecular consequence: missense variant.
Genome position (GRCh38, 1-based): chr10:26,173,995, A>G. VCF-style: chr10-26173995-A-G. GRCh37 (hg19) VCF-style: chr10-26462924-A-G.
Other names: c.3731A>G (NM_017433.4); short protein forms Y1244C.
Identifiers: ClinVar variation 2065045 (VCV002065045.5), dbSNP rs571464458, ClinGen allele CA5445320.

ClinVar aggregate classification (germline): Uncertain significance. Review status: criteria provided, multiple submitters, no conflicts (2 of 4 stars). 2 submissions from 2 submitters: Uncertain significance (2). Last evaluated 2025-04-02.

Conditions:
Inborn genetic diseases. Identifiers: MedGen C0950123, MeSH D030342.

Allele frequency attached by ClinVar (database versions not stated): TOPMed below 0.00001; gnomAD 0.00001; gnomAD exomes 0.00002; ExAC 0.00007; 1000 Genomes Project 30x 0.00016; 1000 Genomes Project 0.00020.
gnomAD v4.1: 29 of 1,611,138 alleles (0.0018%); highest among the groups gnomAD compares: South Asian, 0.031%; no homozygotes.

Submissions (2):

Ambry Genetics
Classification: Uncertain significance for Inborn genetic diseases. Last evaluated: 2025-04-02. Review status: criteria provided, single submitter. Criteria: Ambry Variant Classification Scheme 2023. Collection method: clinical testing. Allele origin: germline.

Labcorp Genetics (formerly Invitae), Labcorp
Classification: Uncertain significance. Last evaluated: 2022-07-20. Review status: criteria provided, single submitter. Criteria: Invitae Variant Classification Sherloc (09022015). Collection method: clinical testing. Allele origin: germline.
Comment: In summary, the available evidence is currently insufficient to determine the role of this variant in disease. Therefore, it has been classified as a Variant of Uncertain Significance. Algorithms developed to predict the effect of missense changes on protein structure and function are either unavailable or do not agree on the potential impact of this missense change (SIFT: "Tolerated"; PolyPhen-2: "Possibly Damaging"; Align-GVGD: "Class C0"). This variant has not been reported in the literature in individuals affected with MYO3A-related conditions. This variant is present in population databases (rs571464458, gnomAD 0.03%). This sequence change replaces tyrosine, which is neutral and polar, with cysteine, which is neutral and slightly polar, at codon 1244 of the MYO3A protein (p.Tyr1244Cys).